The following is an entry in ClinVar:

NM_022436.3(ABCG5):c.1228A>C (p.Asn410His)

Genes: ABCG5 (ATP binding cassette subfamily G member 5; minus strand), DYNC2LI1 (dynein cytoplasmic 2 light intermediate chain 1; plus strand). Cytogenetic location: 2p21.
Variant type: single nucleotide variant.
Coding change: c.1228A>C on transcript NM_022436.3 (MANE Select); coding-DNA position 1228, A replaced by C.
Protein change: p.Asn410His; replaces asparagine 410 with histidine.
Molecular consequence: missense variant. On other transcripts: intron variant (2).
Genome position (GRCh38, 1-based): chr2:43,824,009, T>G on the plus strand (A>C on the coding strand, the complement: ABCG5 is on the minus strand). VCF-style: chr2-43824009-T-G. GRCh37 (hg19) VCF-style: chr2-44051148-T-G.
Other names: p.Asn410His; c.*16-3377T>G (NM_001348913.2, NM_001348912.2); short protein forms N410H.
Identifiers: ClinVar variation 785739 (VCV000785739.24), dbSNP rs115590670, ClinGen allele CA1636359.

ClinVar aggregate classification (germline): Benign/Likely benign. Review status: criteria provided, multiple submitters, no conflicts (2 of 4 stars). 8 submissions from 8 submitters: Benign (3); Likely benign (5). Last evaluated 2026-02-02.

Conditions:
Sitosterolemia 1. Identifiers: MedGen C2749759, MONDO:0020747, OMIM 210250.
Cardiovascular phenotype. Identifiers: MedGen CN230736.
Sitosterolemia (STSL). Also called: PHYTOSTEROLEMIA. Identifiers: Orphanet 2882, MedGen C0342907, MONDO:0008863.

Allele frequency attached by ClinVar (database versions not stated): TOPMed 0.00529; 1000 Genomes Project 30x 0.00562; ESP Exome Variant Server 0.00523; 1000 Genomes Project 0.00519.
gnomAD v4.1: 1,282 of 1,614,186 alleles (0.079%); highest among the groups gnomAD compares: African/African-American, 1.6%; 8 homozygotes.

Submissions (8):

Labcorp Genetics (formerly Invitae), Labcorp
Classification: Benign for Sitosterolemia. Last evaluated: 2026-02-02. Review status: criteria provided, single submitter. Criteria: Invitae Variant Classification Sherloc (09022015). Collection method: clinical testing. Allele origin: germline.

Women's Health and Genetics/Laboratory Corporation of America, LabCorp
Classification: Likely benign. Last evaluated: 2025-12-19. Review status: criteria provided, single submitter. Criteria: LabCorp Variant Classification Summary - May 2015. Collection method: clinical testing. Allele origin: germline.
Comment: Variant summary: ABCG5 c.1228A>C (p.Asn410His) results in a conservative amino acid change located in the ABC-2 type transporter, transmembrane domain (IPR013525) of the encoded protein sequence. Algorithms developed to predict the effect of missense changes on protein structure and function are either unavailable or do not agree on the potential impact of this missense change. The variant allele was found at a frequency of 0.0012 in 251482 control chromosomes, predominantly at a frequency of 0.017 within the African or African-American subpopulation in the gnomAD database. The observed variant frequency within African or African-American control individuals in the gnomAD database exceeds the estimated maximal expected allele frequency for disease-causing variants in ABCG5. c.1228A>C has been reported in the literature in individuals affected with familial hypercholesterolemia, without strong evidence for causality (Reeskamp_2020). These report(s) do not provide unequivocal conclusions about association of the variant with Early Onset Coronary Artery Disease. To our knowledge, no experimental evidence demonstrating an impact on protein function has been reported. The following publication has been ascertained in the context of this evaluation (PMID: 32088153). ClinVar contains an entry for this variant (Variation ID: 785739). Based on the evidence outlined above, the variant was classified as likely benign.

Blueprint Genetics
Classification: Likely benign. Last evaluated: 2024-11-06. Review status: criteria provided, single submitter. Criteria: ACMG Guidelines, 2015. Collection method: clinical testing. Allele origin: germline.

Mayo Clinic Laboratories, Mayo Clinic
Classification: Likely benign. Last evaluated: 2024-02-02. Review status: criteria provided, single submitter. Criteria: ACMG Guidelines, 2015. Collection method: clinical testing. Allele origin: germline. Observed: 11 variant alleles.
Comment: BS1, BP4, PM1_supporting

GeneDx
Classification: Likely benign. Last evaluated: 2022-10-26. Review status: criteria provided, single submitter. Criteria: GeneDx Variant Classification Process June 2021. Collection method: clinical testing. Allele origin: germline. Affected: yes.
Comment: See Variant Classification Assertion Criteria.

Ambry Genetics
Classification: Benign for Cardiovascular phenotype. Last evaluated: 2019-05-03. Review status: criteria provided, single submitter. Criteria: Ambry Variant Classification Scheme 2023. Collection method: clinical testing. Allele origin: germline.

Genetic Services Laboratory, University of Chicago
Classification: Benign. Last evaluated: 2019-02-19. Review status: criteria provided, single submitter. Criteria: ACMG Guidelines, 2015. Collection method: clinical testing. Allele origin: germline. Affected: no.

Illumina Laboratory Services, Illumina
Classification: Likely benign for Sitosterolemia 1. Last evaluated: 2018-01-13. Review status: criteria provided, single submitter. Criteria: ICSL Variant Classification Criteria 13 December 2019. Collection method: clinical testing. Allele origin: germline.
Comment: This variant was observed in the ICSL laboratory as part of a predisposition screen in an ostensibly healthy population. It had not been previously curated by ICSL or reported in the Human Gene Mutation Database (HGMD: prior to June 1st, 2018), and was therefore a candidate for classification through an automated scoring system. Utilizing variant allele frequency, disease prevalence and penetrance estimates, and inheritance mode, an automated score was calculated to assess if this variant is too frequent to cause the disease. Based on the score and internal cut-off values, a variant classified as likely benign is not then subjected to further curation. The score for this variant resulted in a classification of likely benign for this disease.

Literature cited by the submitters: PubMed 32088153 (cited by Women's Health and Genetics/Laboratory Corporation of America, LabCorp).